The following is an entry in ClinVar:

NM_015443.4(KANSL1):c.2536A>G (p.Thr846Ala)

Gene: KANSL1 (KAT8 regulatory NSL complex subunit 1). Cytogenetic location: 17q21.31.
Variant type: single nucleotide variant.
Coding change: c.2536A>G on transcript NM_015443.4 (MANE Select); coding-DNA position 2536, A replaced by G.
Protein change: p.Thr846Ala; replaces threonine 846 with alanine.
Molecular consequence: missense variant.
Genome position (GRCh38, 1-based): chr17:46,038,543, T>C on the plus strand (A>G on the coding strand, the complement: KANSL1 is on the minus strand). VCF-style: chr17-46038543-T-C. GRCh37 (hg19) VCF-style: chr17-44115909-T-C.
Other names: c.2536A>G, p.Thr846Ala (NM_001193465.2, NM_001193466.2, NM_001379198.1 and 8 more transcripts); c.2434A>G, p.Thr812Ala (NM_001405859.1, NM_001405860.1, NM_001405861.1 and 1 more transcripts); c.1081A>G, p.Thr361Ala (NM_001405884.1, NM_001405885.1); c.2347A>G, p.Thr783Ala (NM_001405875.1, NM_001405876.1, NM_001405877.1 and 3 more transcripts); c.1270A>G, p.Thr424Ala (NM_001405882.1, NM_001405883.1); short protein forms T361A, T783A, T846A, T424A, T812A.
Identifiers: ClinVar variation 2078974 (VCV002078974.4), dbSNP rs2077218359, ClinGen allele CA399979988.

ClinVar aggregate classification (germline): Uncertain significance (1 of 4 stars; one submission).

Conditions:
Koolen-de Vries syndrome (KDVS). Identifiers: Orphanet 96169, MedGen C1864871, MONDO:0012496, OMIM 610443.

Allele frequency attached by ClinVar (database versions not stated): gnomAD 0.00001.
gnomAD v4.1: 1 of 1,613,884 alleles (0.000062%); highest among the groups gnomAD compares: South Asian, 0.0011%; no homozygotes.

Submission:

Labcorp Genetics (formerly Invitae), Labcorp
Classification: Uncertain significance for Koolen-de Vries syndrome. Last evaluated: 2024-10-24. Review status: criteria provided, single submitter. Criteria: Invitae Variant Classification Sherloc (09022015). Collection method: clinical testing. Allele origin: germline.
Comment: This sequence change replaces threonine, which is neutral and polar, with alanine, which is neutral and non-polar, at codon 846 of the KANSL1 protein (p.Thr846Ala). This variant is not present in population databases (gnomAD no frequency). This variant has not been reported in the literature in individuals affected with KANSL1-related conditions. ClinVar contains an entry for this variant (Variation ID: 2078974). Invitae Evidence Modeling of protein sequence and biophysical properties (such as structural, functional, and spatial information, amino acid conservation, physicochemical variation, residue mobility, and thermodynamic stability) indicates that this missense variant is not expected to disrupt KANSL1 protein function with a negative predictive value of 80%. In summary, the available evidence is currently insufficient to determine the role of this variant in disease. Therefore, it has been classified as a Variant of Uncertain Significance.